The following is an entry in ClinVar:

NM_001844.5(COL2A1):c.1423C>T (p.Pro475Ser)

Gene: COL2A1 (collagen type II alpha 1 chain; minus strand). Cytogenetic location: 12q13.11.
Variant type: single nucleotide variant.
Coding change: c.1423C>T on transcript NM_001844.5 (MANE Select); coding-DNA position 1423, C replaced by T.
Protein change: p.Pro475Ser; replaces proline 475 with serine.
Molecular consequence: missense variant.
Genome position (GRCh38, 1-based): chr12:47,986,440, G>A on the plus strand (C>T on the coding strand, the complement: COL2A1 is on the minus strand). VCF-style: chr12-47986440-G-A. GRCh37 (hg19) VCF-style: chr12-48380223-G-A.
Other names: c.1216C>T, p.Pro406Ser (NM_033150.3); short protein forms P475S, P406S.
Identifiers: ClinVar variation 2126023 (VCV002126023.5), dbSNP rs757226164, ClinGen allele CA384552963.
Genomic context (GRCh38, chr12:47,986,440, plus strand): 5'-CACGGGCACCTCTCTTGCCTTCTTCACCAGCGGGTCCAGGGGCTCCCTGGGGGCCAGCAG[G>A]GCCCTGAGGACCAGCAAAAAAGAGAAACAGAGTGAGCCTTCACCTGGCCTTGGAGCAAGC-3'
Protein context (NP_001835.3, residues 465-485): GEQGPKGEPG[Pro475Ser]AGPQGAPGPA

ClinVar aggregate classification (germline): Uncertain significance. Review status: criteria provided, multiple submitters, no conflicts (2 of 4 stars). 3 submissions from 3 submitters: Uncertain significance (3). Last evaluated 2024-05-17.

Allele frequency attached by ClinVar (database versions not stated): TOPMed below 0.00001.
gnomAD v4.1: 9 of 1,552,764 alleles (0.00058%); highest among the groups gnomAD compares: Non-Finnish European, 0.00079%; no homozygotes.

Submissions (3):

Labcorp Genetics (formerly Invitae), Labcorp
Classification: Uncertain significance. Last evaluated: 2024-05-17. Review status: criteria provided, single submitter. Criteria: Invitae Variant Classification Sherloc (09022015). Collection method: clinical testing. Allele origin: germline.
Comment: This sequence change replaces proline, which is neutral and non-polar, with serine, which is neutral and polar, at codon 475 of the COL2A1 protein (p.Pro475Ser). This variant is not present in population databases (gnomAD no frequency). This variant has not been reported in the literature in individuals affected with COL2A1-related conditions. ClinVar contains an entry for this variant (Variation ID: 2126023). Advanced modeling of protein sequence and biophysical properties (such as structural, functional, and spatial information, amino acid conservation, physicochemical variation, residue mobility, and thermodynamic stability) performed at Invitae indicates that this missense variant is not expected to disrupt COL2A1 protein function with a negative predictive value of 95%. In summary, the available evidence is currently insufficient to determine the role of this variant in disease. Therefore, it has been classified as a Variant of Uncertain Significance.

ARUP Laboratories, Molecular Genetics and Genomics, ARUP Laboratories
Classification: Uncertain significance. Last evaluated: 2023-05-15. Review status: criteria provided, single submitter. Criteria: ARUP Molecular Germline Variant Investigation Process 2024. Collection method: clinical testing. Allele origin: germline.
Comment: The COL2A1 c.1423C>T; p.Pro475Ser variant (rs757226164), to our knowledge, is not reported in the medical literature but is reported in ClinVar (Variation ID: 2126023). This variant is absent from the Genome Aggregation Database, indicating it is not a common polymorphism. Computational analyses are uncertain whether this variant is neutral or deleterious (REVEL: 0.382). Due to limited information, the clinical significance of this variant is uncertain at this time.

Blueprint Genetics
Classification: Uncertain significance. Last evaluated: 2021-10-01. Review status: criteria provided, single submitter. Criteria: ACMG Guidelines, 2015. Collection method: clinical testing. Allele origin: germline.